The following is an entry in ClinVar:

NM_032861.4(SERAC1):c.1166+2dup

Gene: SERAC1 (serine active site containing 1; minus strand). Cytogenetic location: 6q25.3.
Variant type: Duplication.
Coding change: c.1166+2dup on transcript NM_032861.4 (MANE Select); the canonical splice donor site of the intron after coding-DNA position 1166, one base duplicated (T; older notation c.1166+2dupT).
Molecular consequence: splice donor variant.
Genome position (GRCh38, 1-based): chr6:158,120,423, A duplicated on the plus strand (T on the coding strand, the reverse complement: SERAC1 is on the minus strand). VCF-style (leftmost placement, unchanged base first): chr6-158120422-T-TA. GRCh37 (hg19) VCF-style: chr6-158541454-T-TA.
Identifiers: ClinVar variation 3765692 (VCV003765692.1).

ClinVar aggregate classification (germline): Likely pathogenic (1 of 4 stars; one submission).

Conditions:
3-methylglutaconic aciduria with deafness, encephalopathy, and Leigh-like syndrome (MEGDEL). Also called: MEGDEL syndrome; SERAC1 Deficiency; 3-METHYLGLUTACONIC ACIDURIA, TYPE VI. Identifiers: Orphanet 352328, MedGen C4040739, MONDO:0013875, OMIM 614739.

Submission:

Greenwood Genetic Center Diagnostic Laboratories, Greenwood Genetic Center
Classification: Likely pathogenic for 3-methylglutaconic aciduria with deafness, encephalopathy, and Leigh-like syndrome. Last evaluated: 2024-07-01. Review status: criteria provided, single submitter. Criteria: ACMG Guidelines, 2015. Collection method: clinical testing. Allele origin: germline. Affected: yes.
Comment: PS3_Moderate, PM2, PM3_Supporting